The following is an entry in ClinVar:

ClinVar aggregate classification (germline): Uncertain significance (1 of 4 stars; one submission).

Conditions:
Glycogen storage disease, type II (IOPD). Also called: CARDIOMEGALIA GLYCOGENICA DIFFUSA; Glycogen storage disease type 2; Acid maltase deficiency disease; Aglucosidase alfa; Deficiency of alpha-glucosidase; Deficiency of lysosomal alpha-glucosidase. Identifiers: Orphanet 365, MedGen C0017921, MONDO:0009290, OMIM 232300.

Submission:

Labcorp Genetics (formerly Invitae), Labcorp
Classification: Uncertain significance for Glycogen storage disease, type II. Last evaluated: 2024-03-02. Review status: criteria provided, single submitter. Criteria: Invitae Variant Classification Sherloc (09022015). Collection method: clinical testing. Allele origin: germline.
Comment: This sequence change replaces aspartic acid, which is acidic and polar, with histidine, which is basic and polar, at codon 319 of the GAA protein (p.Asp319His). This variant also falls at the last nucleotide of exon 5, which is part of the consensus splice site for this exon. This variant is not present in population databases (gnomAD no frequency). This variant has not been reported in the literature in individuals affected with GAA-related conditions. An algorithm developed to predict the effect of missense changes on protein structure and function (PolyPhen-2) suggests that this variant is likely to be disruptive. Variants that disrupt the consensus splice site are a relatively common cause of aberrant splicing (PMID: 17576681, 9536098). Algorithms developed to predict the effect of sequence changes on RNA splicing suggest that this variant may create or strengthen a splice site. In summary, the available evidence is currently insufficient to determine the role of this variant in disease. Therefore, it has been classified as a Variant of Uncertain Significance.

Literature cited by the submitters: PubMed 17576681; PubMed 9536098.

NM_000152.5(GAA):c.955G>C (p.Asp319His)

Gene: GAA (alpha glucosidase; plus strand). Cytogenetic location: 17q25.3.
Variant type: single nucleotide variant.
Coding change: c.955G>C on transcript NM_000152.5 (MANE Select); coding-DNA position 955, G replaced by C.
Protein change: p.Asp319His; replaces aspartic acid 319 with histidine.
Molecular consequence: missense variant.
Genome position (GRCh38, 1-based): chr17:80,107,896, G>C. VCF-style: chr17-80107896-G-C. GRCh37 (hg19) VCF-style: chr17-78081695-G-C.
Other names: c.955G>C, p.Asp319His (NM_001079803.3, NM_001079804.3, NM_001406741.1 and 1 more transcripts); short protein forms D319H.
Identifiers: ClinVar variation 3632333 (VCV003632333.2).